The following is an entry in ClinVar:

ClinVar aggregate classification (germline): Pathogenic/Likely pathogenic. Review status: criteria provided, multiple submitters, no conflicts (2 of 4 stars). 7 submissions from 7 submitters: Pathogenic (3); Likely pathogenic (3). 1 of the submissions does not count toward it. Last evaluated 2026-04-22.

Conditions:
Inborn genetic diseases. Identifiers: MedGen C0950123, MeSH D030342.
Hereditary spastic paraplegia 4. Also called: Spastic paraplegia 4, autosomal dominant; Spastic Paraplegia 4; Familial spastic paraplegia autosomal dominant 2. Identifiers: Orphanet 100985, MedGen C1866855, MONDO:0008438, OMIM 182601.

Submissions (7):

GeneDx
Classification: Likely pathogenic. Last evaluated: 2026-04-22. Review status: criteria provided, single submitter. Criteria: GeneDx Variant Classification Process June 2021. Collection method: clinical testing. Allele origin: germline.
Comment: Not observed at significant frequency in large population cohorts (gnomAD); In-frame deletion of 1 amino acid(s) with an unclear effect on protein function; In silico analysis supports a deleterious effect on protein structure/function; This variant is associated with the following publications: (PMID: 21139634, 26094131, 34983064, 12163196)

Labcorp Genetics (formerly Invitae), Labcorp
Classification: Pathogenic for Hereditary spastic paraplegia 4. Last evaluated: 2024-11-21. Review status: criteria provided, single submitter. Criteria: Invitae Variant Classification Sherloc (09022015). Collection method: clinical testing. Allele origin: germline.
Comment: This variant, c.1209_1211del, results in the deletion of 1 amino acid(s) of the SPAST protein (p.Phe404del), but otherwise preserves the integrity of the reading frame. This variant is not present in population databases (gnomAD no frequency). This variant has been observed in individuals with hereditary spastic paraplegia (HSP) (PMID: 12163196, 16009769, 20932283, 24731568). It has also been observed to segregate with disease in related individuals. ClinVar contains an entry for this variant (Variation ID: 521727). Experimental studies and prediction algorithms are not available or were not evaluated, and the functional significance of this variant is currently unknown. For these reasons, this variant has been classified as Pathogenic.

Athena Diagnostics
Classification: Likely pathogenic. Last evaluated: 2024-04-22. Review status: criteria provided, single submitter. Criteria: Athena Diagnostics Criteria. Collection method: clinical testing. Allele origin: unknown.
Comment: This variant has not been reported in large, multi-ethnic general populations. The p.Phe404del variant was identified in multiple unrelated individuals with clinical features associated with this gene. In some published literature, this variant is referred to as c. 1334-1336delCTT. Assessment of experimental evidence regarding the effect of this variant on protein function is inconclusive. The mutant protein altered protein localization and exhibited increased alpha-tubulin acetylation, which is an indicator of stable microtubule (PMID: 34715294), but the effect on neural development and disease was not undertaken. The variant is located in a region that is considered important for protein function and/or structure.

Institute of Medical Genetics and Applied Genomics, University Hospital Tübingen
Classification: Pathogenic. Last evaluated: 2020-10-23. Review status: criteria provided, single submitter. Criteria: ACMG Guidelines, 2015. Collection method: clinical testing. Allele origin: germline. Inheritance: Unknown mechanism. Affected: yes.

Ambry Genetics
Classification: Likely pathogenic for Inborn genetic diseases. Last evaluated: 2017-06-12. Review status: criteria provided, single submitter. Criteria: Ambry exome assertion method (8-5-2015). Collection method: clinical testing. Allele origin: germline. Affected: yes. Observed: 1 variant allele.

Paris Brain Institute, Inserm - ICM
Classification: Pathogenic for Hereditary spastic paraplegia 4. Review status: criteria provided, single submitter. Criteria: ACMG Guidelines, 2015. Collection method: clinical testing. Allele origin: unknown. Affected: yes. Observed: 1 variant allele.

Solve-RD Consortium
Classification: Likely pathogenic for Hereditary spastic paraplegia 4. Last evaluated: 2022-06-01. Review status: no assertion criteria provided. Collection method: provider interpretation. Allele origin: inherited. Affected: yes. Not counted in ClinVar's aggregate classification.
Comment: Variant confirmed as disease-causing by referring clinical team

Variant identified during reanalysis of unsolved cases by the Solve-RD project. The Solve-RD project has received funding from the European Union’s Horizon 2020 research and innovation programme under grant agreement No 779257.

Literature cited by the submitters: PubMed 12163196 (cited by 3 submitters); PubMed 16009769 (cited by 3 submitters); PubMed 20932283 (cited by Labcorp Genetics (formerly Invitae), Labcorp and Athena Diagnostics); PubMed 24731568 (cited by Labcorp Genetics (formerly Invitae), Labcorp and Athena Diagnostics); PubMed 34715294 (cited by Athena Diagnostics); PubMed 25045380 (cited by Athena Diagnostics); PubMed 22446388 (cited by Ambry Genetics); PubMed 39825153 (cited by Solve-RD Consortium).

NM_014946.4(SPAST):c.1206CTT[1] (p.Phe404del)

Gene: SPAST (spastin; plus strand). Cytogenetic location: 2p22.3.
Variant type: Microsatellite.
Coding change: c.1206CTT[1] on transcript NM_014946.4 (MANE Select); one copy of the 3-base unit CTT starting at c.1206; the reference has two copies in a row; one copy, 3 bases deleted; also written c.1209_1211del.
Protein change: p.Phe404del; deletes phenylalanine 404.
Molecular consequence: inframe deletion.
Genome position (GRCh38, 1-based): chr2:32,128,443-32,128,445, CTT deleted; deleting any 3 consecutive bases within chr2:32,128,440-32,128,445 gives the same sequence; the position shown is the placement nearest the transcript's 3' end. VCF-style (leftmost placement, unchanged base first): chr2-32128439-CCTT-C. GRCh37 (hg19) VCF-style: chr2-32353508-CCTT-C.
Other names: c.1209_1211delCTT (NM_014946.3); c.1209_1211del (NM_014946.4); c.1203CTT[1], p.Phe403del (NM_001363823.2); c.1107CTT[1], p.Phe371del (NM_001363875.2); c.1110CTT[1], p.Phe372del (NM_001377959.1, NM_199436.2); short protein forms F404del, F403del, F371del, F372del.
Identifiers: ClinVar variation 521727 (VCV000521727.19), dbSNP rs1553317028, ClinGen allele CA658795707.